The following is an entry in ClinVar:

NM_020066.5(FMN2):c.3573T>C (p.Pro1191=)

Gene: FMN2 (formin 2; plus strand). Cytogenetic location: 1q43.
Variant type: single nucleotide variant.
Coding change: c.3573T>C on transcript NM_020066.5 (MANE Select); coding-DNA position 3573, T replaced by C.
Protein change: p.Pro1191=; no amino-acid change (proline 1191 retained).
Molecular consequence: synonymous variant. On other transcripts: intron variant (1).
Genome position (GRCh38, 1-based): chr1:240,208,385, T>C. VCF-style: chr1-240208385-T-C. GRCh37 (hg19) VCF-style: chr1-240371685-T-C.
Other names: c.3585T>C, p.Pro1195= (NM_001305424.2); c.1986+20123T>C (NM_001348094.2).
Identifiers: ClinVar variation 2640204 (VCV002640204.24), dbSNP rs764738043, ClinGen allele CA1477247.

ClinVar aggregate classification (germline): Likely benign (1 of 4 stars; one submission).

Allele frequency attached by ClinVar (database versions not stated): ExAC 0.00005.

Submission:

CeGaT Center for Human Genetics Tuebingen
Classification: Likely benign. Last evaluated: 2026-07-01. Review status: criteria provided, single submitter. Criteria: CeGaT Center For Human Genetics Tuebingen Variant Classification Criteria Version 2. Collection method: clinical testing. Allele origin: germline. Affected: yes. Observed: 7 variant alleles.
Comment: FMN2: BP4, BP7